The following is an entry in ClinVar:

NM_018100.4(EFHC1):c.1114C>T (p.Arg372Trp)

Gene: EFHC1 (EF-hand domain containing 1; plus strand). Cytogenetic location: 6p12.2.
Variant type: single nucleotide variant.
Coding change: c.1114C>T on transcript NM_018100.4 (MANE Select); coding-DNA position 1114, C replaced by T.
Protein change: p.Arg372Trp; replaces arginine 372 with tryptophan.
Molecular consequence: missense variant. On other transcripts: non-coding transcript variant (1).
Genome position (GRCh38, 1-based): chr6:52,465,092, C>T. VCF-style: chr6-52465092-C-T. GRCh37 (hg19) VCF-style: chr6-52329890-C-T.
Other names: p.R372W:CGG>TGG; c.1057C>T, p.Arg353Trp (NM_001172420.2); short protein forms R372W, R353W.
Identifiers: ClinVar variation 205403 (VCV000205403.24), dbSNP rs371151471, ClinGen allele CA314440.
Genomic context (GRCh38, chr6:52,465,092, plus strand): 5'-CGACGGTATTACAAAGAGAAGTTTGGAATCACTGATTTACCACGTATTGATGTGAGCAAG[C>T]GGGAACCACCTCCAGTAAAACAGGTAATCAGATAGTACTTCTTAGTGTGGTGAGAAAACT-3'
Protein context (NP_060570.2, residues 362-382): TDLPRIDVSK[Arg372Trp]EPPPVKQELP

ClinVar aggregate classification (germline): Conflicting classifications of pathogenicity. Review status: criteria provided, conflicting classifications (1 of 4 stars). 8 submissions from 7 submitters: Uncertain significance (5); Benign (1); Likely benign (2). Last evaluated 2026-03-13.

Conditions:
Myoclonic epilepsy, juvenile, susceptibility to, 1. Also called: Myoclonic Epilepsy, Juvenile, 1; EJM1. Identifiers: MedGen C1850778, MONDO:0020752, OMIM 254770.
Absence seizure. Also called: Absence epilepsy. Identifiers: Orphanet 1941, MedGen C0014553.
EFHC1-related disorder. Also called: EFHC1-related condition.
Epilepsy, juvenile absence, susceptibility to, 1 (EJA1). Identifiers: MedGen C2750892, MONDO:0020772, OMIM 607631.
Juvenile myoclonic epilepsy (EJM). Also called: JANZ SYNDROME; PETIT MAL, IMPULSIVE. Identifiers: Orphanet 307, MedGen C0270853, MONDO:0009696.

Allele frequency attached by ClinVar (database versions not stated): gnomAD 0.00003 and 0.00027; TOPMed 0.00008; ESP Exome Variant Server 0.00015; gnomAD exomes 0.00050 and 0.00121; ExAC 0.00133; 1000 Genomes Project 30x 0.00187; 1000 Genomes Project 0.00200.
gnomAD v4.1: 790 of 1,613,706 alleles (0.049%); highest among the groups gnomAD compares: South Asian, 0.81%; 6 homozygotes.

Submissions (8):

PreventionGenetics, part of Exact Sciences
Classification: Likely benign for EFHC1-related condition. Last evaluated: 2026-03-13. Review status: criteria provided, single submitter. Criteria: ACMG Guidelines, 2015. Collection method: clinical testing. Allele origin: germline.
Comment: This variant is classified as likely benign based on ACMG/AMP sequence variant interpretation guidelines (Richards et al. 2015 PMID: 25741868, with internal and published modifications).

Genomic Medicine Center of Excellence, King Faisal Specialist Hospital and Research Centre
Classification: Likely benign for Myoclonic epilepsy, juvenile, susceptibility to, 1. Last evaluated: 2025-09-10. Review status: criteria provided, single submitter. Criteria: ACMG Guidelines, 2015. Collection method: clinical testing. Allele origin: germline.

Labcorp Genetics (formerly Invitae), Labcorp
Classification: Benign for Myoclonic epilepsy, juvenile, susceptibility to, 1; Absence seizure. Last evaluated: 2024-02-24. Review status: criteria provided, single submitter. Criteria: Invitae Variant Classification Sherloc (09022015). Collection method: clinical testing. Allele origin: germline.

Revvity Omics, Revvity
Classification: Uncertain significance. Last evaluated: 2023-11-20. Review status: criteria provided, single submitter. Criteria: ACMG Guidelines, 2015. Collection method: clinical testing. Allele origin: germline.

Center for Genomics, Ann and Robert H. Lurie Children's Hospital of Chicago
Classification: Uncertain significance for Epilepsy, juvenile absence, susceptibility to, 1; Myoclonic epilepsy, juvenile, susceptibility to, 1. Last evaluated: 2018-07-09. Review status: criteria provided, single submitter. Criteria: ACMG Guidelines, 2015. Collection method: clinical testing. Allele origin: germline.
Comment: EFHC1 NM_018100.3 exon 6 p.Arg372Trp (c.1114C>T): This variant has been reported in the literature in several individuals with Juvenile Myoclonic Epilepsy (JME) (Raju 2017 PMID:28370826). However, this variant is present in 0.9% (304/30778) of South Asian alleles, including 2 homozygotes, in the Genome Aggregation Database. This variant is present in ClinVar (Variation ID:205403). Evolutionary conservation and computational predictive tools for this variant are unclear. In summary, data on this variant is insufficient for disease classification. Therefore, the clinical significance of this variant is uncertain.

GeneDx
Classification: Uncertain significance. Last evaluated: 2016-01-05. Review status: criteria provided, single submitter. Criteria: GeneDx Variant Classification (06012015). Collection method: clinical testing. Allele origin: germline. Affected: yes.
Comment: A variant of uncertain significance has been identified in the EFHC1 gene. The R372W variant has been reported previously in association with juvenile myoclonic epilepsy; however, additional information was not provided (Praveen K et al., 2013). It was not observed in approximately 6,500 individuals of European and African American ancestry in the NHLBI Exome Sequencing Project, but the 1000 Genomes Project reports R372W was observed in 10/978 (1%) alleles from individuals of South Asian background, indicating it may be a rare (benign) variant in this population. This substitution occurs at a position that is not conserved. However, the R372W variant is a non-conservative amino acid substitution, which is likely to impact secondary protein structure as these residues differ in polarity, charge, size and/or other properties. In silico analysis is inconsistent in its predictions as to whether or not the variant is damaging to the protein structure/function. Therefore, based on the currently available information, it is unclear whether this variant is a pathogenic variant or a rare benign variant.

Genetic Services Laboratory, University of Chicago
Classification: Uncertain significance. Last evaluated: 2014-08-14. Review status: criteria provided, single submitter. Criteria: ACMG Guidelines, 2015. Collection method: clinical testing. Allele origin: germline.

Center for Genomics, Ann and Robert H. Lurie Children's Hospital of Chicago
Classification: Uncertain significance for Epilepsy, juvenile absence, susceptibility to, 1; Myoclonic epilepsy, juvenile, susceptibility to, 1. Review status: criteria provided, single submitter. Criteria: ACMG Guidelines, 2015. Collection method: clinical testing. Allele origin: germline.
Comment: the same text as in the submission from Center for Genomics, Ann and Robert H. Lurie Children's Hospital of Chicago above.